The following is an entry in ClinVar:

NM_001256789.3(CACNA1F):c.2038C>T (p.Arg680Ter)

Gene: CACNA1F (calcium voltage-gated channel subunit alpha1 F; minus strand). Cytogenetic location: Xp11.23.
Variant type: single nucleotide variant.
Coding change: c.2038C>T on transcript NM_001256789.3 (MANE Select); coding-DNA position 2038, C replaced by T.
Protein change: p.Arg680Ter; replaces arginine 680 with a stop codon.
Molecular consequence: nonsense.
Genome position (GRCh38, 1-based): chrX:49,222,976, G>A on the plus strand (C>T on the coding strand, the complement: CACNA1F is on the minus strand). VCF-style: chrX-49222976-G-A. GRCh37 (hg19) VCF-style: chrX-49079435-G-A.
Other names: c.1876C>T, p.Arg626Ter (NM_001256790.3); c.2071C>T, p.Arg691Ter (NM_005183.4); short protein forms R626*, R680*, R691*.
Identifiers: ClinVar variation 916094 (VCV000916094.11), dbSNP rs782074040, ClinGen allele CA10410757.

ClinVar aggregate classification (germline): Pathogenic/Likely pathogenic. Review status: criteria provided, multiple submitters, no conflicts (2 of 4 stars). 4 submissions from 4 submitters: Pathogenic (3); Likely pathogenic (1). Last evaluated 2025-03-10.

Conditions:
CACNA1F-related disorder. Also called: CACNA1F-related condition.

Allele frequency attached by ClinVar (database versions not stated): ExAC below 0.00001; gnomAD 0.00002; TOPMed 0.00002.
gnomAD v4.1: 3 of 1,197,244 alleles (0.00025%); highest among the groups gnomAD compares: Non-Finnish European, 0.00034%; no homozygotes.

Submissions (4):

Labcorp Genetics (formerly Invitae), Labcorp
Classification: Pathogenic. Last evaluated: 2025-03-10. Review status: criteria provided, single submitter. Criteria: Invitae Variant Classification Sherloc (09022015). Collection method: clinical testing. Allele origin: germline.
Comment: This sequence change creates a premature translational stop signal (p.Arg691*) in the CACNA1F gene. It is expected to result in an absent or disrupted protein product. Loss-of-function variants in CACNA1F are known to be pathogenic (PMID: 9662399, 11281458, 17525176, 22194652, 24124559, 26992781). This variant is not present in population databases (gnomAD no frequency). This premature translational stop signal has been observed in individual(s) with congenital stationary night blindness (PMID: 15761389, 23714322). This variant is also known as c.2038C>T (R680X). ClinVar contains an entry for this variant (Variation ID: 916094). For these reasons, this variant has been classified as Pathogenic.

Blueprint Genetics
Classification: Pathogenic for CACNA1F-related disorders. Last evaluated: 2019-10-29. Review status: criteria provided, single submitter. Criteria: ACMG Guidelines, 2015. Collection method: clinical testing. Allele origin: germline. Affected: yes. Observed: 3 variant alleles.

Laboratorio de Genetica e Diagnostico Molecular, Hospital Israelita Albert Einstein
Classification: Likely pathogenic. Last evaluated: 2019-10-29. Review status: criteria provided, single submitter. Criteria: ACMG Guidelines, 2015. Collection method: clinical testing. Allele origin: germline. Affected: yes.
Comment: ACMG classification criteria: PVS1, PM2

Laboratory of Molecular Genetics (Pr. Bezieau's lab), CHU de Nantes
Classification: Pathogenic. Last evaluated: 2019-06-26. Review status: criteria provided, single submitter. Criteria: ACMG Guidelines, 2015. Collection method: clinical testing. Allele origin: germline. Affected: yes.

Literature cited by the submitters: PubMed 9662399 (cited by Labcorp Genetics (formerly Invitae), Labcorp); PubMed 11281458 (cited by Labcorp Genetics (formerly Invitae), Labcorp); PubMed 17525176 (cited by Labcorp Genetics (formerly Invitae), Labcorp); PubMed 22194652 (cited by Labcorp Genetics (formerly Invitae), Labcorp); PubMed 24124559 (cited by Labcorp Genetics (formerly Invitae), Labcorp); PubMed 26992781 (cited by Labcorp Genetics (formerly Invitae), Labcorp); PubMed 15761389 (cited by Labcorp Genetics (formerly Invitae), Labcorp); PubMed 23714322 (cited by Labcorp Genetics (formerly Invitae), Labcorp).